The following is an entry in ClinVar:

NM_005245.4(FAT1):c.10664C>T (p.Ser3555Phe)

Genes: FAT1 (FAT atypical cadherin 1; minus strand), LOC126807254 (BRD4-independent group 4 enhancer GRCh37_chr4:187524269-187525468; plus strand). Cytogenetic location: 4q35.2.
Variant type: single nucleotide variant.
Coding change: c.10664C>T on transcript NM_005245.4 (MANE Select); coding-DNA position 10664, C replaced by T.
Protein change: p.Ser3555Phe; replaces serine 3555 with phenylalanine.
Molecular consequence: missense variant.
Genome position (GRCh38, 1-based): chr4:186,603,862, G>A on the plus strand (C>T on the coding strand, the complement: FAT1 is on the minus strand). VCF-style: chr4-186603862-G-A. GRCh37 (hg19) VCF-style: chr4-187525016-G-A.
Other names: short protein forms S3555F.
Identifiers: ClinVar variation 2099480 (VCV002099480.4), dbSNP rs2126434441, ClinGen allele CA358976857.

ClinVar aggregate classification (germline): Uncertain significance (1 of 4 stars; one submission).

Submission:

Labcorp Genetics (formerly Invitae), Labcorp
Classification: Uncertain significance. Last evaluated: 2022-02-19. Review status: criteria provided, single submitter. Criteria: Invitae Variant Classification Sherloc (09022015). Collection method: clinical testing. Allele origin: germline.
Comment: In summary, the available evidence is currently insufficient to determine the role of this variant in disease. Therefore, it has been classified as a Variant of Uncertain Significance. Algorithms developed to predict the effect of missense changes on protein structure and function output the following: SIFT: "Tolerated"; PolyPhen-2: "Benign"; Align-GVGD: "Class C0". The phenylalanine amino acid residue is found in multiple mammalian species, which suggests that this missense change does not adversely affect protein function. This variant has not been reported in the literature in individuals affected with FAT1-related conditions. This variant is not present in population databases (gnomAD no frequency). This sequence change replaces serine, which is neutral and polar, with phenylalanine, which is neutral and non-polar, at codon 3555 of the FAT1 protein (p.Ser3555Phe).